The following is an entry in ClinVar:

NM_000093.5(COL5A1):c.3303C>T (p.Ile1101=)

Gene: COL5A1 (collagen type V alpha 1 chain; plus strand). Cytogenetic location: 9q34.3.
Variant type: single nucleotide variant.
Coding change: c.3303C>T on transcript NM_000093.5 (MANE Select); coding-DNA position 3303, C replaced by T.
Protein change: p.Ile1101=; no amino-acid change (isoleucine 1101 retained).
Molecular consequence: synonymous variant.
Genome position (GRCh38, 1-based): chr9:134,806,233, C>T. VCF-style: chr9-134806233-C-T. GRCh37 (hg19) VCF-style: chr9-137698079-C-T.
Other names: c.3303C>T, p.Ile1101= (NM_001278074.1).
Identifiers: ClinVar variation 264544 (VCV000264544.46), dbSNP rs760754491, ClinGen allele CA5319828.

ClinVar aggregate classification (germline): Benign/Likely benign. Review status: criteria provided, multiple submitters, no conflicts (2 of 4 stars). 8 submissions from 7 submitters: Benign (3); Likely benign (4). 1 of the submissions does not count toward it. Last evaluated 2025-07-18.

Conditions:
Ehlers-Danlos syndrome, classic type, 1 (EDSCL1). Also called: EDS I; EHLERS-DANLOS SYNDROME, GRAVIS TYPE; EHLERS-DANLOS SYNDROME, SEVERE CLASSIC TYPE; Ehlers-Danlos syndrome, type 1; Ehlers-Danlos Syndrome, Classic Type, COL5A1-Related. Identifiers: MedGen C0268335, MONDO:0019567, OMIM 130000.
COL5A1-related disorder. Also called: COL5A1-related condition.
Fibromuscular dysplasia, multifocal. Identifiers: MedGen C5543412, MONDO:0859151, OMIM 619329.
Familial thoracic aortic aneurysm and aortic dissection (TAAD). Also called: Thoracic aortic aneurysms and dissections. Identifiers: Orphanet 91387, MedGen C4707243, MONDO:0019625.

Allele frequency attached by ClinVar (database versions not stated): TOPMed 0.00002; gnomAD 0.00003.
gnomAD v4.1: 90 of 1,550,386 alleles (0.0058%); highest among the groups gnomAD compares: Non-Finnish European, 0.0071%; no homozygotes.

Submissions (8):

Labcorp Genetics (formerly Invitae), Labcorp
Classification: Likely benign for Ehlers-Danlos syndrome, classic type, 1. Last evaluated: 2025-07-18. Review status: criteria provided, single submitter. Criteria: Invitae Variant Classification Sherloc (09022015). Collection method: clinical testing. Allele origin: germline.

Blueprint Genetics
Classification: Likely benign. Last evaluated: 2024-02-29. Review status: criteria provided, single submitter. Criteria: ACMG Guidelines, 2015. Collection method: clinical testing. Allele origin: germline.

CeGaT Center for Human Genetics Tuebingen
Classification: Likely benign. Last evaluated: 2022-12-01. Review status: criteria provided, single submitter. Criteria: CeGaT Center For Human Genetics Tuebingen Variant Classification Criteria Version 2. Collection method: clinical testing. Allele origin: germline. Affected: yes. Observed: 1 variant allele.
Comment: COL5A1: BP4, BP7

Genome-Nilou Lab
Classification: Benign for Ehlers-Danlos syndrome, classic type, 1. Last evaluated: 2022-03-15. Review status: criteria provided, single submitter. Criteria: ACMG Guidelines, 2015. Collection method: clinical testing. Allele origin: germline. Affected: no.

Genome-Nilou Lab
Classification: Benign for Fibromuscular dysplasia, multifocal. Last evaluated: 2022-03-15. Review status: criteria provided, single submitter. Criteria: ACMG Guidelines, 2015. Collection method: clinical testing. Allele origin: germline. Affected: no.

GeneDx
Classification: Benign. Last evaluated: 2017-09-29. Review status: criteria provided, single submitter. Criteria: GeneDx Variant Classification (06012015). Collection method: clinical testing. Allele origin: germline. Affected: yes.
Comment: This variant is considered likely benign or benign based on one or more of the following criteria: it is a conservative change, it occurs at a poorly conserved position in the protein, it is predicted to be benign by multiple in silico algorithms, and/or has population frequency not consistent with disease.

Ambry Genetics
Classification: Likely benign for Familial thoracic aortic aneurysm and aortic dissection. Last evaluated: 2015-12-07. Review status: criteria provided, single submitter. Criteria: Ambry Variant Classification Scheme 2023. Collection method: clinical testing. Allele origin: germline.

PreventionGenetics, part of Exact Sciences
Classification: Likely benign for COL5A1-related condition. Last evaluated: 2024-03-12. Review status: no assertion criteria provided. Collection method: clinical testing. Allele origin: germline. Not counted in ClinVar's aggregate classification.
Comment: This variant is classified as likely benign based on ACMG/AMP sequence variant interpretation guidelines (Richards et al. 2015 PMID: 25741868, with internal and published modifications).